The following is an entry in ClinVar:

NM_003366.4(UQCRC2):c.265C>G (p.Leu89Val)

Genes: PDZD9 (PDZ domain containing 9), UQCRC2 (ubiquinol-cytochrome c reductase core protein 2). Cytogenetic location: 16p12.2.
Variant type: single nucleotide variant.
Coding change: c.265C>G on transcript NM_003366.4 (MANE Select); coding-DNA position 265, C replaced by G.
Protein change: p.Leu89Val; replaces leucine 89 with valine.
Molecular consequence: missense variant.
Genome position (GRCh38, 1-based): chr16:21,957,564, C>G. VCF-style: chr16-21957564-C-G. GRCh37 (hg19) VCF-style: chr16-21968885-C-G.
Other names: short protein forms L89V.
Identifiers: ClinVar variation 4798146 (VCV004798146.1).

ClinVar aggregate classification (germline): Uncertain significance (1 of 4 stars; one submission).

gnomAD v4.1: 3 of 1,613,960 alleles (0.00019%); highest among the groups gnomAD compares: Non-Finnish European, 0.00025%; no homozygotes.

Submission:

Labcorp Genetics (formerly Invitae), Labcorp
Classification: Uncertain significance. Last evaluated: 2025-05-28. Review status: criteria provided, single submitter. Criteria: Invitae Variant Classification Sherloc (09022015). Collection method: clinical testing. Allele origin: germline.
Comment: This sequence change replaces leucine, which is neutral and non-polar, with valine, which is neutral and non-polar, at codon 89 of the UQCRC2 protein (p.Leu89Val). This variant is present in population databases (no rsID available, gnomAD 0.002%). This variant has not been reported in the literature in individuals affected with UQCRC2-related conditions. An algorithm developed to predict the effect of missense changes on protein structure and function (PolyPhen-2) suggests that this variant is likely to be disruptive. In summary, the available evidence is currently insufficient to determine the role of this variant in disease. Therefore, it has been classified as a Variant of Uncertain Significance.